The following is an entry in ClinVar:

ClinVar aggregate classification (germline): Conflicting classifications of pathogenicity. Review status: criteria provided, conflicting classifications (1 of 4 stars). 3 submissions from 3 submitters: Likely pathogenic (1); Uncertain significance (2). Last evaluated 2024-03-27.

Conditions:
Acyl-CoA oxidase deficiency. Also called: STRAIGHT-CHAIN ACYL-CoA OXIDASE DEFICIENCY; Pseudoneonatal adrenoleukodystrophy; Peroxisomal acyl-CoA oxidase deficiency. Identifiers: Orphanet 2971, MedGen C1849678, MONDO:0009919, OMIM 264470. Disease mechanism: loss of function.

Allele frequency attached by ClinVar (database versions not stated): ExAC 0.00001; gnomAD exomes 0.00001.
gnomAD v4.1: 2 of 1,614,212 alleles (0.00012%); highest among the groups gnomAD compares: Admixed American, 0.0033%; no homozygotes.

Submissions (3):

Women's Health and Genetics/Laboratory Corporation of America, LabCorp
Classification: Uncertain significance. Last evaluated: 2024-03-27. Review status: criteria provided, single submitter. Criteria: LabCorp Variant Classification Summary - May 2015. Collection method: clinical testing. Allele origin: germline.
Comment: Variant summary: ACOX1 c.176G>C (p.Arg59Pro) results in a non-conservative amino acid change located in the Acyl-coenzyme A oxidase, N-terminal (IPR029320) of the encoded protein sequence. Three of five in-silico tools predict a benign effect of the variant on protein function. The variant allele was found at a frequency of 8e-06 in 251494 control chromosomes. c.176G>C has been reported in the literature in individuals affected with Pseudoneonatal Adrenoleukodystrophy (Lee_2014). These data indicate that the variant may be associated with disease. To our knowledge, no experimental evidence demonstrating an impact on protein function has been reported. The following publication have been ascertained in the context of this evaluation (PMID: 25326637). ClinVar contains an entry for this variant (Variation ID: 216884). Based on the evidence outlined above, the variant was classified as VUS-possibly pathogenic.

Labcorp Genetics (formerly Invitae), Labcorp
Classification: Uncertain significance for Acyl-CoA oxidase deficiency. Last evaluated: 2023-08-10. Review status: criteria provided, single submitter. Criteria: Invitae Variant Classification Sherloc (09022015). Collection method: clinical testing. Allele origin: germline.
Comment: This sequence change replaces arginine, which is basic and polar, with proline, which is neutral and non-polar, at codon 59 of the ACOX1 protein (p.Arg59Pro). In summary, the available evidence is currently insufficient to determine the role of this variant in disease. Therefore, it has been classified as a Variant of Uncertain Significance. Advanced modeling of protein sequence and biophysical properties (such as structural, functional, and spatial information, amino acid conservation, physicochemical variation, residue mobility, and thermodynamic stability) performed at Invitae indicates that this missense variant is expected to disrupt ACOX1 protein function. ClinVar contains an entry for this variant (Variation ID: 216884). This missense change has been observed in individual(s) with peroxisomal acyl-CoA oxidase deficiency (PMID: 25326637). This variant is present in population databases (rs777937235, gnomAD 0.006%).

UCLA Clinical Genomics Center, UCLA
Classification: Likely pathogenic for Pseudoneonatal adrenoleukodystrophy. Last evaluated: 2014-02-18. Review status: criteria provided, single submitter. Criteria: Lee et al. (JAMA. 2014). Collection method: clinical testing. Allele origin: germline. Inheritance: Autosomal recessive inheritance. Affected: yes. Study: CES.

Literature cited by the submitters: PubMed 25326637 (cited by Women's Health and Genetics/Laboratory Corporation of America, LabCorp and Labcorp Genetics (formerly Invitae), Labcorp).

NM_004035.7(ACOX1):c.176G>C (p.Arg59Pro)

Gene: ACOX1 (acyl-CoA oxidase 1; minus strand). Cytogenetic location: 17q25.1.
Variant type: single nucleotide variant.
Coding change: c.176G>C on transcript NM_004035.7 (MANE Select); coding-DNA position 176, G replaced by C.
Protein change: p.Arg59Pro; replaces arginine 59 with proline.
Molecular consequence: missense variant.
Genome position (GRCh38, 1-based): chr17:75,978,627, C>G on the plus strand (G>C on the coding strand, the complement: ACOX1 is on the minus strand). VCF-style: chr17-75978627-C-G. GRCh37 (hg19) VCF-style: chr17-73974708-C-G.
Other names: c.62G>C, p.Arg21Pro (NM_001185039.2); c.176G>C, p.Arg59Pro (NM_007292.6); short protein forms R59P, R21P.
Identifiers: ClinVar variation 216884 (VCV000216884.9), dbSNP rs777937235, ClinGen allele CA210000.